The following is an entry in ClinVar:

NM_001109809.5(ZFP57):c.770G>A (p.Arg257Gln)

Gene: ZFP57 (ZFP57 zinc finger protein; minus strand). Cytogenetic location: 6p22.1.
Variant type: single nucleotide variant.
Coding change: c.770G>A on transcript NM_001109809.5 (MANE Select); coding-DNA position 770, G replaced by A.
Protein change: p.Arg257Gln; replaces arginine 257 with glutamine.
Molecular consequence: missense variant.
Genome position (GRCh38, 1-based): chr6:29,673,341, C>T on the plus strand (G>A on the coding strand, the complement: ZFP57 is on the minus strand). VCF-style: chr6-29673341-C-T. GRCh37 (hg19) VCF-style: chr6-29641118-C-T.
Other names: c.554G>A, p.Arg185Gln (NM_001366333.2); short protein forms R185Q, R257Q.
Identifiers: ClinVar variation 1338537 (VCV001338537.6), dbSNP rs1362771214, ClinGen allele CA363045596.

ClinVar aggregate classification (germline): Conflicting classifications of pathogenicity. Review status: criteria provided, conflicting classifications (1 of 4 stars). 2 submissions from 2 submitters: Likely pathogenic (1); Uncertain significance (1). Last evaluated 2025-02-28.

Allele frequency attached by ClinVar (database versions not stated): gnomAD 0.00001; gnomAD exomes below 0.00001; TOPMed 0.00001.
gnomAD v4.1: 8 of 1,612,834 alleles (0.0005%); highest among the groups gnomAD compares: Admixed American, 0.0033%; no homozygotes.

Submissions (2):

Dasa
Classification: Uncertain significance. Last evaluated: 2025-02-28. Review status: criteria provided, single submitter. Criteria: DASA Assertion Criteria. Collection method: clinical testing. Allele origin: germline.
Comment: NM_001109809.5(ZFP57):c.770G>A (p.Arg257Gln) is a missense variant that results in the substitution of arginine with glutamine. This variant has been observed in affected individuals with ZFP57-related disorders. Also, this variant is rare in population databases. Computational prediction algorithms are consistent with a benign effect. The currently available literature and clinical evidence are not sufficient to establish a definitive association between this variant and the reported condition. Therefore, this variant is classified as a variant of uncertain significance.

Genetic Services Laboratory, University of Chicago
Classification: Likely pathogenic. Last evaluated: 2019-08-15. Review status: criteria provided, single submitter. Criteria: ACMG Guidelines, 2015. Collection method: clinical testing. Allele origin: germline. Affected: yes.
Comment: DNA sequence analysis of the ZFP57 gene demonstrated a homozygous sequence change, c.770G>A, in exon 4 that results in an amino acid change, p.Arg257Gln. This sequence change has been described in the heterozygous state in the gnomAD database with a low population frequency of 0.0004% (dbSNP rs1362771214). The p.Arg257Gln change affects a highly conserved amino acid residue located in a domain of the ZFP57 protein that is known to be functional. In-silico pathogenicity prediction tools (SIFT, PolyPhen2, Align GVGD, REVEL) provide contradictory results for the p.Arg257Gln substitution. This particular amino acid change has not been published in the literature, however two unrelated patients with TNDM, loss of methylation at the 6q24 locus, and the same homozygous mutation were identified at the University of Exeter, UK (unpublished data). Furthermore, the p.Arg257Gln amino acid change occurs in a region of the ZFP57 gene where other missense sequence changes have been described in patients with ZFP57-related TNDM (PMID:18622393). Collectively, these evidences suggest that this sequence change is likely pathogenic.